The following is an entry in ClinVar:

NM_001009944.3(PKD1):c.2038del (p.Tyr680fs)

Gene: PKD1 (polycystin 1, transient receptor potential channel interacting; minus strand). Cytogenetic location: 16p13.3.
Variant type: Deletion.
Coding change: c.2038del on transcript NM_001009944.3 (MANE Select); coding-DNA position 2038, one base deleted (T; older notation c.2038delT).
Protein change: p.Tyr680fs; shifts the reading frame from tyrosine 680.
Molecular consequence: frameshift variant.
Genome position (GRCh38, 1-based): chr16:2,115,437, A deleted on the plus strand (T on the coding strand, the reverse complement: PKD1 is on the minus strand). VCF-style (leftmost placement, unchanged base first): chr16-2115436-TA-T. GRCh37 (hg19) VCF-style: chr16-2165437-TA-T.
Other names: c.2038delT (NM_001009944.2); c.2038del, p.Tyr680fs (NM_000296.4); short protein forms Y680fs.
Identifiers: ClinVar variation 1182154 (VCV001182154.13), dbSNP rs1448641464, ClinGen allele CA620705838.

ClinVar aggregate classification (germline): Pathogenic/Likely pathogenic. Review status: criteria provided, multiple submitters, no conflicts (2 of 4 stars). 4 submissions from 4 submitters: Pathogenic (3); Likely pathogenic (1). Last evaluated 2025-08-13.

Conditions:
Polycystic kidney disease, adult type (PKD1). Also called: Polycystic Kidney Disease 1, Autosomal Dominant; Polycystic kidney disease 1; Polycystic kidney disease 1, severe; Polycystic Kidney, Autosomal Dominant; POLYCYSTIC KIDNEY DISEASE 1 WITH OR WITHOUT POLYCYSTIC LIVER DISEASE; POLYCYSTIC KIDNEY DISEASE, ADULT, TYPE I. Identifiers: MedGen C3149841, MONDO:0008263, OMIM 173900.
PKD1-related disorder. Also called: PKD1-related condition.

Allele frequency attached by ClinVar (database versions not stated): TOPMed below 0.00001.

Submissions (4):

PreventionGenetics, part of Exact Sciences
Classification: Pathogenic for PKD1-related condition. Last evaluated: 2025-08-13. Review status: criteria provided, single submitter. Criteria: ACMG Guidelines, 2015. Collection method: clinical testing. Allele origin: germline.
Comment: The PKD1 c.2038delT variant is predicted to result in a frameshift and premature protein termination (p.Tyr680Metfs*105). This variant was reported in an individual with autosomal dominant polycystic kidney disease (ADPKD) (Audrézet et al. 2012. PubMed ID: 22508176, Supp. Table S4). This variant is reported in 0.0% of alleles in individuals of African descent in gnomAD. Frameshift variants in PKD1 are expected to be pathogenic. This variant is interpreted as pathogenic.

GeneDx
Classification: Pathogenic. Last evaluated: 2025-01-08. Review status: criteria provided, single submitter. Criteria: GeneDx Variant Classification Process June 2021. Collection method: clinical testing. Allele origin: germline. Affected: yes.
Comment: Frameshift variant predicted to result in protein truncation or nonsense mediated decay in a gene for which loss-of-function is a known mechanism of disease; Not observed at significant frequency in large population cohorts (gnomAD); This variant is associated with the following publications: (PMID: 22508176, 36938073)

Fulgent Genetics
Classification: Likely pathogenic for Polycystic kidney disease, adult type. Last evaluated: 2024-05-31. Review status: criteria provided, single submitter. Criteria: ACMG Guidelines, 2015. Collection method: clinical testing. Allele origin: germline.

Juno Genomics, Hangzhou Juno Genomics, Inc
Classification: Pathogenic for Polycystic kidney disease, adult type. Review status: criteria provided, single submitter. Criteria: ACMG Guidelines, 2015. Collection method: clinical testing. Allele origin: germline. Affected: yes.
Comment: Null variant in a gene where loss of function (LOF) is a known mechanism of disease.;Absent from controls (or at extremely low frequency if recessive) in Genome Aggregation Database, Exome Sequencing Project, 1000 Genomes Project, or Exome Aggregation Consortium.;The prevalence of the variant in affected individuals is significantly increased compared to the prevalence in controls.;Patient's phenotype or family history is highly specific for a disease with a single genetic etiology.